The following is an entry in ClinVar:

NM_020207.7(ERCC6L2):c.4529C>G (p.Ala1510Gly)

Gene: ERCC6L2 (ERCC excision repair 6 like 2; plus strand). Cytogenetic location: 9q22.32.
Variant type: single nucleotide variant.
Coding change: c.4529C>G on transcript NM_020207.7 (MANE Select); coding-DNA position 4529, C replaced by G.
Protein change: p.Ala1510Gly; replaces alanine 1510 with glycine.
Molecular consequence: missense variant. On other transcripts: non-coding transcript variant (1), intron variant (2).
Genome position (GRCh38, 1-based): chr9:96,013,079, C>G. VCF-style: chr9-96013079-C-G. GRCh37 (hg19) VCF-style: chr9-98775361-C-G.
Other names: c.3674+8378C>G (NM_001375291.1, NM_001375292.1); short protein forms A1510G.
Identifiers: ClinVar variation 2093857 (VCV002093857.4), dbSNP rs749282233, ClinGen allele CA466124232.

ClinVar aggregate classification (germline): Uncertain significance (1 of 4 stars; one submission).

Submission:

Labcorp Genetics (formerly Invitae), Labcorp
Classification: Uncertain significance. Last evaluated: 2022-10-17. Review status: criteria provided, single submitter. Criteria: Invitae Variant Classification Sherloc (09022015). Collection method: clinical testing. Allele origin: germline.
Comment: This sequence change replaces alanine, which is neutral and non-polar, with glycine, which is neutral and non-polar, at codon 1521 of the ERCC6L2 protein (p.Ala1521Gly). This variant is not present in population databases (gnomAD no frequency). In summary, the available evidence is currently insufficient to determine the role of this variant in disease. Therefore, it has been classified as a Variant of Uncertain Significance. Algorithms developed to predict the effect of missense changes on protein structure and function are either unavailable or do not agree on the potential impact of this missense change (SIFT: "Tolerated"; PolyPhen-2: "Not Available"; Align-GVGD: "Class C0"). This variant has not been reported in the literature in individuals affected with ERCC6L2-related conditions.